The following is an entry in ClinVar:

ClinVar aggregate classification (germline): Uncertain significance. Review status: criteria provided, multiple submitters, no conflicts (2 of 4 stars). 5 submissions from 5 submitters: Uncertain significance (5). Last evaluated 2024-11-07.

Conditions:
Usher syndrome type 2C. Also called: Usher syndrome, type 2B; USHER SYNDROME, TYPE IIC. Identifiers: Orphanet 231178, Orphanet 886, MedGen C2931213, MONDO:0011558, OMIM 605472.

Allele frequency attached by ClinVar (database versions not stated): gnomAD exomes 0.00007 and 0.00013; TOPMed 0.00007; ESP Exome Variant Server 0.00017; gnomAD 0.00005 and 0.00006; ExAC 0.00007.
gnomAD v4.1: 188 of 1,574,510 alleles (0.012%); highest among the groups gnomAD compares: Non-Finnish European, 0.015%; no homozygotes.

Submissions (5):

Blueprint Genetics
Classification: Uncertain significance. Last evaluated: 2024-11-07. Review status: criteria provided, single submitter. Criteria: ACMG Guidelines, 2015. Collection method: clinical testing. Allele origin: germline.

Women's Health and Genetics/Laboratory Corporation of America, LabCorp
Classification: Uncertain significance. Last evaluated: 2024-09-15. Review status: criteria provided, single submitter. Criteria: LabCorp Variant Classification Summary - May 2015. Collection method: clinical testing. Allele origin: germline.

Labcorp Genetics (formerly Invitae), Labcorp
Classification: Uncertain significance. Last evaluated: 2022-08-23. Review status: criteria provided, single submitter. Criteria: Invitae Variant Classification Sherloc (09022015). Collection method: clinical testing. Allele origin: germline.
Comment: This sequence change falls in intron 79 of the ADGRV1 gene. It does not directly change the encoded amino acid sequence of the ADGRV1 protein. It affects a nucleotide within the consensus splice site. This variant is present in population databases (rs376691612, gnomAD 0.01%). This variant has not been reported in the literature in individuals affected with ADGRV1-related conditions. ClinVar contains an entry for this variant (Variation ID: 504587). Variants that disrupt the consensus splice site are a relatively common cause of aberrant splicing (PMID: 17576681, 9536098). Algorithms developed to predict the effect of sequence changes on RNA splicing suggest that this variant is not likely to affect RNA splicing. In summary, the available evidence is currently insufficient to determine the role of this variant in disease. Therefore, it has been classified as a Variant of Uncertain Significance.

Illumina Laboratory Services, Illumina
Classification: Uncertain significance for Usher syndrome type 2C. Last evaluated: 2017-04-27. Review status: criteria provided, single submitter. Criteria: ICSL Variant Classification Criteria 13 December 2019. Collection method: clinical testing. Allele origin: germline.

Laboratory for Molecular Medicine, Mass General Brigham Personalized Medicine
Classification: Uncertain significance. Last evaluated: 2016-06-07. Review status: criteria provided, single submitter. Criteria: LMM Criteria. Collection method: clinical testing. Allele origin: germline. Observed: 2 variant alleles.
Comment: Variant classified as Uncertain Significance - Favor Pathogenic. A different variant in this splice region (c.17204+4_1720 4+7del) has been previously reported in the compound heterozygous or homozygous state in two individuals with Usher syndrome (Besnard 2012, Garcia-Garcia 2013). This variant has also been identified in 8/66576 of European chromosomes by th e Exome Aggregation Consortium (ExAC; rs37669161 2); however, its frequency is not high enough to rule out a pathogenic role. Thi s variant is located in the 5' splice region. Computational tools suggest an imp act to splicing. However, this information is not predictive enough to determine pathogenicity. In summary, while there is some suspicion for a pathogenic role, the clinical significance of the c.17204+4A>G is uncertain.

Literature cited by the submitters: PubMed 17576681 (cited by Labcorp Genetics (formerly Invitae), Labcorp); PubMed 9536098 (cited by Labcorp Genetics (formerly Invitae), Labcorp); PubMed 22147658 (cited by Laboratory for Molecular Medicine, Mass General Brigham Personalized Medicine); PubMed 23441107 (cited by Laboratory for Molecular Medicine, Mass General Brigham Personalized Medicine).

NM_032119.4(ADGRV1):c.17204+4A>G

Gene: ADGRV1 (adhesion G protein-coupled receptor V1; plus strand). Cytogenetic location: 5q14.3.
Variant type: single nucleotide variant.
Coding change: c.17204+4A>G on transcript NM_032119.4 (MANE Select); 4 bases into the intron after coding-DNA position 17204, A replaced by G.
Molecular consequence: intron variant.
Genome position (GRCh38, 1-based): chr5:90,848,825, A>G. VCF-style: chr5-90848825-A-G. GRCh37 (hg19) VCF-style: chr5-90144642-A-G.
Identifiers: ClinVar variation 504587 (VCV000504587.13), dbSNP rs376691612, ClinGen allele CA3342309.
Genomic context (GRCh38, chr5:90,848,825, plus strand): 5'-TGAGAATTTTGCCTTTTCTCTGCTGACTAATGTTACTTGCGGCTCTCCTGGTGAAAAGTA[A>G]GTATCTTTTAATATATTAGCAGTACCTTTTATGCATTTTTTTCACTGTTTACAAAGCAAT-3'